The following is an entry in ClinVar:

ClinVar aggregate classification (germline): Pathogenic/Likely pathogenic. Review status: criteria provided, multiple submitters, no conflicts (2 of 4 stars). 2 submissions from 2 submitters: Pathogenic (1); Likely pathogenic (1). Last evaluated 2025-11-27.

Conditions:
Microcephaly 6, primary, autosomal recessive. Identifiers: Orphanet 2512, MedGen C1842109, MONDO:0012029, OMIM 608393.

Submissions (2):

Labcorp Genetics (formerly Invitae), Labcorp
Classification: Pathogenic. Last evaluated: 2025-11-27. Review status: criteria provided, single submitter. Criteria: Invitae Variant Classification Sherloc (09022015). Collection method: clinical testing. Allele origin: germline.
Comment: This sequence change creates a premature translational stop signal (p.Gln169Glufs*27) in the CENPJ gene. It is expected to result in an absent or disrupted protein product. Loss-of-function variants in CENPJ are known to be pathogenic (PMID: 15793586, 16900296, 20522431). This variant is present in population databases (rs747993775, gnomAD 0.006%). This variant has not been reported in the literature in individuals affected with CENPJ-related conditions. ClinVar contains an entry for this variant (Variation ID: 2429273). For these reasons, this variant has been classified as Pathogenic.

Women's Health and Genetics/Laboratory Corporation of America, LabCorp
Classification: Likely pathogenic for Microcephaly 6, primary, autosomal recessive. Last evaluated: 2023-01-10. Review status: criteria provided, single submitter. Criteria: LabCorp Variant Classification Summary - May 2015. Collection method: clinical testing. Allele origin: germline.
Comment: Variant summary: CENPJ c.505_506delCA (p.Gln169GlufsX27) results in a premature termination codon, predicted to cause a truncation of the encoded protein or absence of the protein due to nonsense mediated decay, which are commonly known mechanisms for disease. Truncations downstream of this position have been reported in individuals affected with congenital microcephaly (HGMD). The variant allele was found at a frequency of 1.6e-05 in 251480 control chromosomes (gnomAD v2.1 exomes dataset). To our knowledge, no occurrence of c.505_506delCA in individuals affected with Microcephaly 6, Primary, Autosomal Recessive and no experimental evidence demonstrating its impact on protein function have been reported. No clinical diagnostic laboratories have submitted clinical-significance assessments for this variant to ClinVar after 2014. Based on the evidence outlined above, the variant was classified as likely pathogenic.

Literature cited by the submitters: PubMed 15793586 (cited by Labcorp Genetics (formerly Invitae), Labcorp); PubMed 16900296 (cited by Labcorp Genetics (formerly Invitae), Labcorp); PubMed 20522431 (cited by Labcorp Genetics (formerly Invitae), Labcorp).

NM_018451.5(CPAP):c.505_506del (p.Gln169fs)

Gene: CPAP (centrosome assembly and centriole elongation protein; minus strand). Cytogenetic location: 13q12.13.
Variant type: Deletion.
Coding change: c.505_506del on transcript NM_018451.5 (MANE Select); coding-DNA positions 505 to 506, 2 bases deleted (CA; older notation c.505_506delCA).
Protein change: p.Gln169fs; shifts the reading frame from glutamine 169.
Molecular consequence: frameshift variant. On other transcripts: non-coding transcript variant (2).
Genome position (GRCh38, 1-based): chr13:24,912,008-24,912,009, TG deleted on the plus strand (CA on the coding strand, the reverse complement: CPAP is on the minus strand); deleting any 2 consecutive bases within chr13:24,912,008-24,912,010 gives the same sequence; the c. name uses the placement nearest the transcript's 3' end. VCF-style (leftmost placement, unchanged base first): chr13-24912007-CTG-C. GRCh37 (hg19) VCF-style: chr13-25486145-CTG-C.
Other names: short protein forms Q169fs.
Identifiers: ClinVar variation 2429273 (VCV002429273.7), dbSNP rs747993775, ClinGen allele CA6919994.
Genomic context (GRCh38, chr13:24,912,007, plus strand): 5'-TGGAAGTGTGCACTGCCCAGACACCATGGTGAGCAGCTTCTCTTGTTCTTCCATGAGTCT[CTG>C]TAGTTGCTCCAACTGTTGCCTCTTCAATTGTTCCTGCTTCTTCTGTTGTACTTCTTTCAG-3'